The following is an entry in ClinVar:

NM_133259.4(LRPPRC):c.53dup (p.Arg19fs)

Gene: LRPPRC (leucine rich pentatricopeptide repeat containing; minus strand). Cytogenetic location: 2p21.
Variant type: Duplication.
Coding change: c.53dup on transcript NM_133259.4 (MANE Select); coding-DNA position 53, one base duplicated (C; older notation c.53dupC).
Protein change: p.Arg19fs; shifts the reading frame from arginine 19.
Molecular consequence: frameshift variant.
Genome position (GRCh38, 1-based): chr2:43,995,895, G duplicated on the plus strand (C on the coding strand, the reverse complement: LRPPRC is on the minus strand); the first of 4 consecutive G bases (chr2:43,995,895-43,995,898); duplicating any one gives the same sequence. VCF-style (leftmost placement, unchanged base first): chr2-43995894-C-CG. GRCh37 (hg19) VCF-style: chr2-44223033-C-CG.
Other names: short protein forms R19fs.
Identifiers: ClinVar variation 5011924 (VCV005011924.1).

ClinVar aggregate classification (germline): Pathogenic (1 of 4 stars; one submission).

Conditions:
Congenital lactic acidosis, Saguenay-Lac-Saint-Jean type (MC4DN5). Also called: CYTOCHROME c OXIDASE DEFICIENCY, FRENCH CANADIAN TYPE; COX DEFICIENCY, FRENCH CANADIAN TYPE; MITOCHONDRIAL COMPLEX IV DEFICIENCY, NUCLEAR TYPE 5. Identifiers: Orphanet 70472, MedGen C1857355, MONDO:0009069, OMIM 220111.

Submission:

Myriad Genetics, Inc.
Classification: Pathogenic for Congenital lactic acidosis, Saguenay-Lac-Saint-Jean type. Last evaluated: 2023-09-27. Review status: criteria provided, single submitter. Criteria: Myriad Autosomal Dominant, Autosomal Recessive and X-Linked Classification Criteria (2023). Collection method: clinical testing. Allele origin: unknown.
Comment: NM_133259.3(LRPPRC):c.53dupC(R19Afs*59) is expected to be pathogenic in the context of Leigh syndrome, French-Canadian type. This variant is predicted to lead to an abnormal or absent protein product due to the creation of a premature termination codon in LRPPRC, a gene where loss-of-function variants are known to be pathogenic. Please note: this variant was assessed in the context of healthy population screening.